The following is an entry in ClinVar:

NM_015404.4(WHRN):c.143C>T (p.Ala48Val)

Gene: WHRN (whirlin; minus strand). Cytogenetic location: 9q32.
Variant type: single nucleotide variant.
Coding change: c.143C>T on transcript NM_015404.4 (MANE Select); coding-DNA position 143, C replaced by T.
Protein change: p.Ala48Val; replaces alanine 48 with valine.
Molecular consequence: missense variant.
Genome position (GRCh38, 1-based): chr9:114,504,659, G>A on the plus strand (C>T on the coding strand, the complement: WHRN is on the minus strand). VCF-style: chr9-114504659-G-A. GRCh37 (hg19) VCF-style: chr9-117266939-G-A.
Other names: c.143C>T, p.Ala48Val (NM_001173425.2); short protein forms A48V.
Identifiers: ClinVar variation 1421951 (VCV001421951.6), dbSNP rs1844248272, ClinGen allele CA374614044.

ClinVar aggregate classification (germline): Uncertain significance. Review status: criteria provided, multiple submitters, no conflicts (2 of 4 stars). 2 submissions from 2 submitters: Uncertain significance (2). Last evaluated 2022-09-02.

Allele frequency attached by ClinVar (database versions not stated): gnomAD exomes below 0.00001; TOPMed 0.00001.
gnomAD v4.1: 1 of 1,604,916 alleles (0.000062%); highest among the groups gnomAD compares: Non-Finnish European, 0.000085%; no homozygotes.

Submissions (2):

Blueprint Genetics
Classification: Uncertain significance. Last evaluated: 2022-09-02. Review status: criteria provided, single submitter. Criteria: ACMG Guidelines, 2015. Collection method: clinical testing. Allele origin: germline.

Labcorp Genetics (formerly Invitae), Labcorp
Classification: Uncertain significance. Last evaluated: 2022-07-26. Review status: criteria provided, single submitter. Criteria: Invitae Variant Classification Sherloc (09022015). Collection method: clinical testing. Allele origin: germline.
Comment: This sequence change replaces alanine, which is neutral and non-polar, with valine, which is neutral and non-polar, at codon 48 of the WHRN protein (p.Ala48Val). This variant is not present in population databases (gnomAD no frequency). This variant has not been reported in the literature in individuals affected with WHRN-related conditions. ClinVar contains an entry for this variant (Variation ID: 1421951). Algorithms developed to predict the effect of missense changes on protein structure and function (SIFT, PolyPhen-2, Align-GVGD) all suggest that this variant is likely to be tolerated. In summary, the available evidence is currently insufficient to determine the role of this variant in disease. Therefore, it has been classified as a Variant of Uncertain Significance.